The following is an entry in ClinVar:

ClinVar aggregate classification (germline): Conflicting classifications of pathogenicity. Review status: criteria provided, conflicting classifications (1 of 4 stars). 2 submissions from 2 submitters: Uncertain significance (1); Likely benign (1). Last evaluated 2025-10-07.

Allele frequency attached by ClinVar (database versions not stated): gnomAD exomes below 0.00001; gnomAD 0.00001; TOPMed 0.00001; ESP Exome Variant Server 0.00008.
gnomAD v4.1: 16 of 1,614,058 alleles (0.00099%); highest among the groups gnomAD compares: African/African-American, 0.0027%; no homozygotes.

Submissions (2):

Labcorp Genetics (formerly Invitae), Labcorp
Classification: Likely benign. Last evaluated: 2025-10-07. Review status: criteria provided, single submitter. Criteria: Invitae Variant Classification Sherloc (09022015). Collection method: clinical testing. Allele origin: germline.

GeneDx
Classification: Uncertain significance. Last evaluated: 2024-02-05. Review status: criteria provided, single submitter. Criteria: GeneDx Variant Classification Process June 2021. Collection method: clinical testing. Allele origin: germline.
Comment: Not observed at significant frequency in large population cohorts (gnomAD); In silico analysis supports that this variant does not alter splicing; Has not been previously published as pathogenic or benign to our knowledge

NM_001903.5(CTNNA1):c.859-7T>G

Gene: CTNNA1 (catenin alpha 1; plus strand). Cytogenetic location: 5q31.2.
Variant type: single nucleotide variant.
Coding change: c.859-7T>G on transcript NM_001903.5 (MANE Select); 7 bases into the intron before coding-DNA position 859, T replaced by G.
Molecular consequence: intron variant.
Genome position (GRCh38, 1-based): chr5:138,827,508, T>G. VCF-style: chr5-138827508-T-G. GRCh37 (hg19) VCF-style: chr5-138163197-T-G.
Other names: c.859-7T>G (NM_001323982.2, NM_001323984.2, NM_001290307.3 and 3 more transcripts); c.490-7T>G (NM_001290310.3); c.550-7T>G (NM_001290309.3).
Identifiers: ClinVar variation 651675 (VCV000651675.10), dbSNP rs374326029, ClinGen allele CA128231109.